The following is an entry in ClinVar:

ClinVar aggregate classification (germline): Uncertain significance (1 of 4 stars; one submission).

Conditions:
Stormorken syndrome (STRMK). Also called: THROMBOCYTOPATHY, ASPLENIA, AND MIOSIS. Identifiers: Orphanet 3204, MedGen C1861451, MONDO:0008497, OMIM 185070.
Myopathy with tubular aggregates (TAM). Also called: Tubular Aggregate Myopathy. Identifiers: Orphanet 2593, MedGen C0410207, MONDO:0008051.
Combined immunodeficiency due to STIM1 deficiency. Also called: STIM1 DEFICIENCY; IMMUNODEFICIENCY 10. Identifiers: Orphanet 169090, Orphanet 317430, MedGen C2748557, MONDO:0013008, OMIM 612783.

Submission:

Labcorp Genetics (formerly Invitae), Labcorp
Classification: Uncertain significance for Myopathy with tubular aggregates; Combined immunodeficiency due to STIM1 deficiency; Stormorken syndrome. Last evaluated: 2024-04-01. Review status: criteria provided, single submitter. Criteria: Invitae Variant Classification Sherloc (09022015). Collection method: clinical testing. Allele origin: germline.
Comment: This sequence change replaces aspartic acid, which is acidic and polar, with glutamic acid, which is acidic and polar, at codon 89 of the STIM1 protein (p.Asp89Glu). This variant is not present in population databases (gnomAD no frequency). This variant has not been reported in the literature in individuals affected with STIM1-related conditions. Advanced modeling of protein sequence and biophysical properties (such as structural, functional, and spatial information, amino acid conservation, physicochemical variation, residue mobility, and thermodynamic stability) performed at Invitae indicates that this missense variant is not expected to disrupt STIM1 protein function with a negative predictive value of 80%. In summary, the available evidence is currently insufficient to determine the role of this variant in disease. Therefore, it has been classified as a Variant of Uncertain Significance.

NM_001382567.1(STIM1):c.267T>A (p.Asp89Glu)

Gene: STIM1 (stromal interaction molecule 1; plus strand). Cytogenetic location: 11p15.4.
Variant type: single nucleotide variant.
Coding change: c.267T>A on transcript NM_001382567.1 (MANE Select); coding-DNA position 267, T replaced by A.
Protein change: p.Asp89Glu; replaces aspartic acid 89 with glutamic acid.
Molecular consequence: missense variant. On other transcripts: non-coding transcript variant (3), intron variant (4).
Genome position (GRCh38, 1-based): chr11:3,967,679, T>A. VCF-style: chr11-3967679-T-A. GRCh37 (hg19) VCF-style: chr11-3988909-T-A.
Other names: c.267T>A, p.Asp89Glu (NM_001277961.3, NM_001277962.2, NM_001382568.1 and 3 more transcripts); c.45T>A, p.Asp15Glu (NM_001382566.1, NM_001382573.1, NM_001382574.1 and 5 more transcripts); c.-219-56194T>A (NM_001382580.1, NM_001382581.1); c.136-56194T>A (NM_001382569.1); c.-98-56194T>A (NM_001382571.1); short protein forms D15E, D89E.
Identifiers: ClinVar variation 3755624 (VCV003755624.2).
Genomic context (GRCh38, chr11:3,967,679, plus strand): 5'-TAACATCCACAAACTGATGGACGATGATGCCAATGGTGATGTGGATGTGGAAGAAAGTGA[T>A]GAGGTGAGCTCTCCCATCCTGCTATGTCTCTCTTTTCTTCCTGTGTGAATTAGTCTTTGA-3'
Protein context (NP_001369496.1, residues 79-99): ANGDVDVEES[Asp89Glu]EFLREDLNYH